The following is an entry in ClinVar:

NM_014159.7(SETD2):c.3074G>A (p.Gly1025Asp)

Gene: SETD2 (SET domain containing 2, histone lysine methyltransferase; minus strand). Cytogenetic location: 3p21.31.
Variant type: single nucleotide variant.
Coding change: c.3074G>A on transcript NM_014159.7 (MANE Select); coding-DNA position 3074, G replaced by A.
Protein change: p.Gly1025Asp; replaces glycine 1025 with aspartic acid.
Molecular consequence: missense variant. On other transcripts: non-coding transcript variant (1).
Genome position (GRCh38, 1-based): chr3:47,121,562, C>T on the plus strand (G>A on the coding strand, the complement: SETD2 is on the minus strand). VCF-style: chr3-47121562-C-T. GRCh37 (hg19) VCF-style: chr3-47163052-C-T.
Other names: c.2942G>A, p.Gly981Asp (NM_001349370.3); short protein forms G1025D, G981D.
Identifiers: ClinVar variation 2633218 (VCV002633218.1), dbSNP rs2106654211, ClinGen allele CA352523810.
Genomic context (GRCh38, chr3:47,121,562, plus strand): 5'-GAACTTTCAGAAGAGCCAGAATAATCTTCATGAACTGTAGACACAATTTCTGGGGCATGA[C>T]CACTACTGTCACACTTTAATGCATAAGTTACACCATCACTGTCTTCCATGGTTAAATTCA-3'
Protein context (NP_054878.5, residues 1015-1035): VTYALKCDSS[Gly1025Asp]HAPEIVSTVH

ClinVar aggregate classification (germline): Uncertain significance (1 of 4 stars; one submission).

Conditions:
SETD2-related disorder.

Submission:

PreventionGenetics, part of Exact Sciences
Classification: Uncertain significance for SETD2-related condition. Last evaluated: 2023-04-15. Review status: criteria provided, single submitter. Criteria: ACMG Guidelines, 2015. Collection method: clinical testing. Allele origin: germline.
Comment: The SETD2 c.3074G>A variant is predicted to result in the amino acid substitution p.Gly1025Asp. To our knowledge, this variant has not been reported in the literature or in a large population database, indicating this variant is rare. At this time, the clinical significance of this variant is uncertain due to the absence of conclusive functional and genetic evidence.